The following is an entry in ClinVar:

NM_007294.4(BRCA1):c.4362A>G (p.Val1454=)

Gene: BRCA1 (BRCA1 DNA repair associated; minus strand). Cytogenetic location: 17q21.31.
Variant type: single nucleotide variant.
Coding change: c.4362A>G on transcript NM_007294.4 (MANE Select); coding-DNA position 4362, A replaced by G.
Protein change: p.Val1454=; no amino-acid change (valine 1454 retained).
Molecular consequence: synonymous variant. On other transcripts: intron variant (3).
Genome position (GRCh38, 1-based): chr17:43,076,610, T>C on the plus strand (A>G on the coding strand, the complement: BRCA1 is on the minus strand). VCF-style: chr17-43076610-T-C. GRCh37 (hg19) VCF-style: chr17-41228627-T-C.
Other names: c.4356A>G, p.Val1452= (NM_001407633.1, NM_001407634.1, NM_001407635.1 and 14 more transcripts); c.4149A>G, p.Val1383= (NM_001407571.1, NM_001407894.1, NM_001407895.1 and 12 more transcripts); c.4428A>G, p.Val1476= (NM_001407581.1, NM_001407582.1); c.4425A>G, p.Val1475= (NM_001407583.1, NM_001407585.1, NM_001407587.1 and 1 more transcripts); c.4422A>G, p.Val1474= (NM_001407590.1, NM_001407591.1); c.4353A>G, p.Val1451= (NM_001407644.1, NM_001407645.1); c.4362A>G, p.Val1454= (NM_001407593.1, NM_001407594.1, NM_001407596.1 and 8 more transcripts); c.4350A>G, p.Val1450= (NM_001407646.1); and 71 more.
Identifiers: ClinVar variation 760435 (VCV000760435.19), dbSNP rs1467083210, ClinGen allele CA500146883.
Genomic context (GRCh38, chr17:43,076,610, plus strand): 5'-AGCAGAAAGGCCTTCTGGATTCTGGCTTATAGGGTATTCACTACTTTTCTGTGAAGTTAA[T>C]ACTGCTTTAAATGGAATGAGAAAACAAATCTACTTTACTGCTTTGTTCTGATAGTGATAA-3'
Protein context (NP_009225.1, residues 1444-1464): NPEQSTSEKA[Val1454=]LTSQKSSEYP

ClinVar aggregate classification (germline): Likely benign. Review status: criteria provided, multiple submitters, no conflicts (2 of 4 stars). 4 submissions from 4 submitters: Likely benign (4). Last evaluated 2023-05-04.

Conditions:
Hereditary breast ovarian cancer syndrome. Also called: BRCA1- and BRCA2-Associated Hereditary Breast and Ovarian Cancer; Hereditary breast and ovarian cancer syndrome (HBOC); Hereditary breast and ovarian cancer syndrome; Breast and ovarian cancer; Hereditary breast and ovarian cancer; Hereditary breast and/or ovarian cancer syndrome. Identifiers: Orphanet 145, MedGen C0677776, MeSH D061325, MONDO:0003582. Disease mechanism: loss of function.
Hereditary cancer-predisposing syndrome. Also called: Hereditary Cancer Syndrome; Hereditary neoplastic syndrome; Neoplastic Syndromes, Hereditary; Tumor predisposition. Identifiers: Orphanet 140162, MedGen C0027672, MeSH D009386, MONDO:0015356.
Breast-ovarian cancer, familial, susceptibility to, 1 (BROVCA1). Also called: OVARIAN CANCER, SUSCEPTIBILITY TO; BRCA1 Hereditary Breast and Ovarian Cancer. Identifiers: Orphanet 145, MedGen C2676676, MONDO:0011450, OMIM 604370. Disease mechanism: loss of function.

Allele frequency attached by ClinVar (database versions not stated): gnomAD exomes below 0.00001.
gnomAD v4.1: 3 of 1,613,424 alleles (0.00019%); highest among the groups gnomAD compares: Non-Finnish European, 0.00025%; no homozygotes.

Submissions (4):

All of Us Research Program, National Institutes of Health
Classification: Likely benign for Breast-ovarian cancer, familial, susceptibility to, 1. Last evaluated: 2023-05-04. Review status: criteria provided, single submitter. Criteria: ACMG Guidelines, 2015. Collection method: clinical testing. Allele origin: germline. Inheritance: Autosomal dominant inheritance. Observed: 2 variant alleles, 2 heterozygotes.
Comment: This study involves interpretation of variants in research participants for the purpose of population health screening. Participant phenotype was not available at the time of variant classification. Additional details can be found in publication PMID: 35346344, PMCID: PMC8962531

Labcorp Genetics (formerly Invitae), Labcorp
Classification: Likely benign for Hereditary breast ovarian cancer syndrome. Last evaluated: 2020-07-21. Review status: criteria provided, single submitter. Criteria: Invitae Variant Classification Sherloc (09022015). Collection method: clinical testing. Allele origin: germline.

Color Diagnostics, LLC DBA Color Health
Classification: Likely benign for Hereditary cancer-predisposing syndrome. Last evaluated: 2019-10-21. Review status: criteria provided, single submitter. Criteria: ACMG Guidelines, 2015. Collection method: clinical testing. Allele origin: germline.

Ambry Genetics
Classification: Likely benign for Hereditary cancer-predisposing syndrome. Last evaluated: 2019-05-22. Review status: criteria provided, single submitter. Criteria: Ambry Variant Classification Scheme 2023. Collection method: clinical testing. Allele origin: germline.